The following is an entry in ClinVar:

ClinVar aggregate classification (germline): Uncertain significance. Review status: criteria provided, multiple submitters, no conflicts (2 of 4 stars). 2 submissions from 2 submitters: Uncertain significance (2). Last evaluated 2024-01-24.

Allele frequency attached by ClinVar (database versions not stated): gnomAD 0.00001; TOPMed 0.00001; ESP Exome Variant Server 0.00008.
gnomAD v4.1: 42 of 1,613,892 alleles (0.0026%); highest among the groups gnomAD compares: Non-Finnish European, 0.0034%; no homozygotes.

Submissions (2):

Ambry Genetics
Classification: Uncertain significance. Last evaluated: 2024-01-24. Review status: criteria provided, single submitter. Criteria: Ambry Variant Classification Scheme 2023. Collection method: clinical testing. Allele origin: germline.

Labcorp Genetics (formerly Invitae), Labcorp
Classification: Uncertain significance. Last evaluated: 2022-05-29. Review status: criteria provided, single submitter. Criteria: Invitae Variant Classification Sherloc (09022015). Collection method: clinical testing. Allele origin: germline.
Comment: In summary, the available evidence is currently insufficient to determine the role of this variant in disease. Therefore, it has been classified as a Variant of Uncertain Significance. Algorithms developed to predict the effect of missense changes on protein structure and function are either unavailable or do not agree on the potential impact of this missense change (SIFT: "Not Available"; PolyPhen-2: "Benign"; Align-GVGD: "Not Available"). This variant has not been reported in the literature in individuals affected with PIK3C2A-related conditions. This variant is present in population databases (rs375877131, gnomAD 0.01%). This sequence change replaces serine, which is neutral and polar, with isoleucine, which is neutral and non-polar, at codon 627 of the PIK3C2A protein (p.Ser627Ile).

NM_002645.4(PIK3C2A):c.1880G>T (p.Ser627Ile)

Gene: PIK3C2A (phosphatidylinositol-4-phosphate 3-kinase catalytic subunit type 2 alpha; minus strand). Cytogenetic location: 11p15.1.
Variant type: single nucleotide variant.
Coding change: c.1880G>T on transcript NM_002645.4 (MANE Select); coding-DNA position 1880, G replaced by T.
Protein change: p.Ser627Ile; replaces serine 627 with isoleucine.
Molecular consequence: missense variant.
Genome position (GRCh38, 1-based): chr11:17,135,128, C>A on the plus strand (G>T on the coding strand, the complement: PIK3C2A is on the minus strand). VCF-style: chr11-17135128-C-A. GRCh37 (hg19) VCF-style: chr11-17156675-C-A.
Other names: c.1880G>T, p.Ser627Ile (NM_001321378.2, NM_001386870.1); c.740G>T, p.Ser247Ile (NM_001321380.2); c.1880G>T (NM_002645.2); short protein forms S627I, S247I.
Identifiers: ClinVar variation 1913643 (VCV001913643.4), dbSNP rs375877131, ClinGen allele CA218395915.